The following is an entry in ClinVar:

ClinVar aggregate classification (germline): Uncertain significance (1 of 4 stars; one submission).

Conditions:
Dilated cardiomyopathy 3B (CMD3B). Also called: CMD3B: DMD-Related Dilated Cardiomyopathy; CARDIOMYOPATHY, DILATED, X-LINKED; DMD-Associated Dilated Cardiomyopathy. Identifiers: Orphanet 154, MedGen C3668940, MONDO:0010542, OMIM 302045.

Submission:

Institute of Immunology and Genetics Kaiserslautern
Classification: Uncertain significance for Dilated cardiomyopathy 3B. Last evaluated: 2026-01-19. Review status: criteria provided, single submitter. Criteria: ACMG Guidelines, 2015. Collection method: clinical testing. Allele origin: germline. Affected: yes.
Comment: ACMG Criteria: PM2_P, PP3; Variant was found in heterozygous state.

NM_004006.3(DMD):c.2949+5G>T

Gene: DMD (dystrophin; minus strand). Cytogenetic location: Xp21.1.
Variant type: single nucleotide variant.
Coding change: c.2949+5G>T on transcript NM_004006.3 (MANE Select); 5 bases into the intron after coding-DNA position 2949, G replaced by T.
Molecular consequence: intron variant.
Genome position (GRCh38, 1-based): chrX:32,472,159, C>A on the plus strand (G>T on the coding strand, the complement: DMD is on the minus strand). VCF-style: chrX-32472159-C-A. GRCh37 (hg19) VCF-style: chrX-32490276-C-A.
Other names: c.2925+5G>T (NM_000109.4); c.2937+5G>T (NM_004009.3); c.2580+5G>T (NM_004010.3).
Identifiers: ClinVar variation 4851402 (VCV004851402.1).